The following is an entry in ClinVar:

ClinVar aggregate classification (germline): Likely pathogenic (0 of 4 stars; one submission).

Conditions:
Mucopolysaccharidosis, MPS-III-C (MPS3C). Also called: MUCOPOLYSACCHARIDOSIS, TYPE IIIC; SANFILIPPO SYNDROME C; Mucopolysaccharidosis type IIIC (Sanfilippo C); MPS IIIC (Sanfilippo Syndrome Type C); mucopolysaccharidosis type 3C; MPS III C. Identifiers: Orphanet 581, Orphanet 79271, MedGen C0086649, MONDO:0009657, OMIM 252930.

Submission:

Foundation for Research in Genetics and Endocrinology, FRIGE's Institute of Human Genetics
Classification: Likely pathogenic for Mucopolysaccharidosis, MPS-III-C. Last evaluated: 2017-01-11. Review status: no assertion criteria provided. Collection method: clinical testing. Allele origin: germline. Inheritance: Autosomal recessive inheritance. Affected: yes. Observed: 1 variant allele, 1 homozygote.
Comment: The observed variant is not reported in 1000 genome database and likely to be pathogenic by online software like Mutation taster, SIFT, Polyphen2, Mutation Accessor, LRT and FATHMM.

NM_152419.3(HGSNAT):c.836A>C (p.Asp279Ala)

Gene: HGSNAT (heparan-alpha-glucosaminide N-acetyltransferase; plus strand). Cytogenetic location: 8p11.21.
Variant type: single nucleotide variant.
Coding change: c.836A>C on transcript NM_152419.3 (MANE Select); coding-DNA position 836, A replaced by C.
Protein change: p.Asp279Ala; replaces aspartic acid 279 with alanine.
Molecular consequence: missense variant. On other transcripts: intron variant (2).
Genome position (GRCh38, 1-based): chr8:43,173,728, A>C. VCF-style: chr8-43173728-A-C. GRCh37 (hg19) VCF-style: chr8-43028871-A-C.
Other names: c.836A>C, p.Asp279Ala (NM_001363227.2); c.-14+1342A>C (NM_001363229.2); c.820+1342A>C (NM_001363228.2); short protein forms D279A.
Identifiers: ClinVar variation 425553 (VCV000425553.2), dbSNP rs1085307112, ClinGen allele CA371116505.